The following is an entry in ClinVar:

NM_000553.6(WRN):c.205A>G (p.Ile69Val)

Gene: WRN (WRN RecQ like helicase; plus strand). Cytogenetic location: 8p12.
Variant type: single nucleotide variant.
Coding change: c.205A>G on transcript NM_000553.6 (MANE Select); coding-DNA position 205, A replaced by G.
Protein change: p.Ile69Val; replaces isoleucine 69 with valine.
Molecular consequence: missense variant.
Genome position (GRCh38, 1-based): chr8:31,059,261, A>G. VCF-style: chr8-31059261-A-G. GRCh37 (hg19) VCF-style: chr8-30916777-A-G.
Other names: short protein forms I69V.
Identifiers: ClinVar variation 3019798 (VCV003019798.3), dbSNP rs1234885621, ClinGen allele CA370912753.

ClinVar aggregate classification (germline): Uncertain significance (1 of 4 stars; one submission).

Conditions:
Werner syndrome (WRN). Identifiers: Orphanet 902, MedGen C0043119, MONDO:0010196, OMIM 277700.

Allele frequency attached by ClinVar (database versions not stated): gnomAD exomes below 0.00001; gnomAD 0.00001.
gnomAD v4.1: 3 of 1,610,296 alleles (0.00019%); highest among the groups gnomAD compares: Non-Finnish European, 0.00025%; no homozygotes.

Submission:

Labcorp Genetics (formerly Invitae), Labcorp
Classification: Uncertain significance for Werner syndrome. Last evaluated: 2023-02-21. Review status: criteria provided, single submitter. Criteria: Invitae Variant Classification Sherloc (09022015). Collection method: clinical testing. Allele origin: germline.
Comment: In summary, the available evidence is currently insufficient to determine the role of this variant in disease. Therefore, it has been classified as a Variant of Uncertain Significance. An algorithm developed to predict the effect of missense changes on protein structure and function (PolyPhen-2) suggests that this variant is likely to be disruptive. This variant has not been reported in the literature in individuals affected with WRN-related conditions. This variant is present in population databases (no rsID available, gnomAD 0.0009%). This sequence change replaces isoleucine, which is neutral and non-polar, with valine, which is neutral and non-polar, at codon 69 of the WRN protein (p.Ile69Val).